The following is an entry in ClinVar:

NM_031935.3(HMCN1):c.14759G>T (p.Gly4920Val)

Gene: HMCN1 (hemicentin 1; plus strand). Cytogenetic location: 1q31.1.
Variant type: single nucleotide variant.
Coding change: c.14759G>T on transcript NM_031935.3 (MANE Select); coding-DNA position 14759, G replaced by T.
Protein change: p.Gly4920Val; replaces glycine 4920 with valine.
Molecular consequence: missense variant.
Genome position (GRCh38, 1-based): chr1:186,151,606, G>T. VCF-style: chr1-186151606-G-T. GRCh37 (hg19) VCF-style: chr1-186120738-G-T.
Other names: short protein forms G4920V.
Identifiers: ClinVar variation 4798919 (VCV004798919.1).

ClinVar aggregate classification (germline): Uncertain significance (1 of 4 stars; one submission).

Submission:

Labcorp Genetics (formerly Invitae), Labcorp
Classification: Uncertain significance. Last evaluated: 2025-04-28. Review status: criteria provided, single submitter. Criteria: Invitae Variant Classification Sherloc (09022015). Collection method: clinical testing. Allele origin: germline.
Comment: This sequence change replaces glycine, which is neutral and non-polar, with valine, which is neutral and non-polar, at codon 4920 of the HMCN1 protein (p.Gly4920Val). The frequency data for this variant in the population databases is considered unreliable, as metrics indicate poor data quality at this position in the gnomAD database. This variant has not been reported in the literature in individuals affected with HMCN1-related conditions. An algorithm developed to predict the effect of missense changes on protein structure and function (PolyPhen-2) suggests that this variant is likely to be disruptive. In summary, the available evidence is currently insufficient to determine the role of this variant in disease. Therefore, it has been classified as a Variant of Uncertain Significance.